The following is an entry in ClinVar:

ClinVar aggregate classification (germline): Uncertain significance. Review status: criteria provided, multiple submitters, no conflicts (2 of 4 stars). 2 submissions from 2 submitters: Uncertain significance (2). Last evaluated 2024-10-19.

Conditions:
Inborn genetic diseases. Identifiers: MedGen C0950123, MeSH D030342.
Primary ciliary dyskinesia. Also called: Ciliary dyskinesia. Identifiers: Orphanet 244, MedGen C0008780, MONDO:0016575, HP:0012265.

Allele frequency attached by ClinVar (database versions not stated): ExAC 0.00001; gnomAD exomes 0.00001; ESP Exome Variant Server 0.00008.
gnomAD v4.1: 13 of 1,613,918 alleles (0.00081%); highest among the groups gnomAD compares: Non-Finnish European, 0.0011%; no homozygotes.

Submissions (2):

Ambry Genetics
Classification: Uncertain significance for Inborn genetic diseases. Last evaluated: 2024-10-19. Review status: criteria provided, single submitter. Criteria: Ambry Variant Classification Scheme 2023. Collection method: clinical testing. Allele origin: germline.

Labcorp Genetics (formerly Invitae), Labcorp
Classification: Uncertain significance for Primary ciliary dyskinesia. Last evaluated: 2022-02-09. Review status: criteria provided, single submitter. Criteria: Invitae Variant Classification Sherloc (09022015). Collection method: clinical testing. Allele origin: germline.
Comment: This sequence change replaces threonine, which is neutral and polar, with isoleucine, which is neutral and non-polar, at codon 159 of the DRC1 protein (p.Thr159Ile). This variant is present in population databases (rs368096684, gnomAD 0.002%). This variant has not been reported in the literature in individuals affected with DRC1-related conditions. Algorithms developed to predict the effect of missense changes on protein structure and function are either unavailable or do not agree on the potential impact of this missense change (SIFT: "Tolerated"; PolyPhen-2: "Not Available"; Align-GVGD: "Class C0"). In summary, the available evidence is currently insufficient to determine the role of this variant in disease. Therefore, it has been classified as a Variant of Uncertain Significance.

NM_145038.5(DRC1):c.476C>T (p.Thr159Ile)

Gene: DRC1 (dynein regulatory complex subunit 1; plus strand). Cytogenetic location: 2p23.3.
Variant type: single nucleotide variant.
Coding change: c.476C>T on transcript NM_145038.5 (MANE Select); coding-DNA position 476, C replaced by T.
Protein change: p.Thr159Ile; replaces threonine 159 with isoleucine.
Molecular consequence: missense variant.
Genome position (GRCh38, 1-based): chr2:26,424,390, C>T. VCF-style: chr2-26424390-C-T. GRCh37 (hg19) VCF-style: chr2-26647258-C-T.
Other names: c.476C>T (NM_145038.2); short protein forms T159I.
Identifiers: ClinVar variation 1494104 (VCV001494104.6), dbSNP rs368096684, ClinGen allele CA1561869.
Genomic context (GRCh38, chr2:26,424,390, plus strand): 5'-CAAAGTGGGAAGAGGGCAAGCAGAAGAGAATTCCCCAAGAGCTGTGGGAAATGCTCAATA[C>T]CCAACAGCTGCACTGTGCTGGACTCTTAGAAGATAAGAATAAACTCATCAGCGAGTTACA-3'
Protein context (NP_659475.2, residues 149-169): IPQELWEMLN[Thr159Ile]QQLHCAGLLE